The following is an entry in ClinVar:

ClinVar aggregate classification (germline): Likely benign (1 of 4 stars; one submission).

Conditions:
SPTA1-related disorder. Also called: SPTA1-related disorders; SPTA1-related condition.

Submission:

PreventionGenetics, part of Exact Sciences
Classification: Likely benign for SPTA1-related condition. Last evaluated: 2026-04-24. Review status: criteria provided, single submitter. Criteria: ACMG Guidelines, 2015. Collection method: clinical testing. Allele origin: germline.
Comment: This variant is classified as likely benign based on ACMG/AMP sequence variant interpretation guidelines (Richards et al. 2015 PMID: 25741868, with internal and published modifications).

NM_003126.4(SPTA1):c.5433-7G>T

Gene: SPTA1 (spectrin alpha, erythrocytic 1; minus strand). Cytogenetic location: 1q23.1.
Variant type: single nucleotide variant.
Coding change: c.5433-7G>T on transcript NM_003126.4 (MANE Select); 7 bases into the intron before coding-DNA position 5433, G replaced by T.
Molecular consequence: intron variant.
Genome position (GRCh38, 1-based): chr1:158,634,682, C>A on the plus strand (G>T on the coding strand, the complement: SPTA1 is on the minus strand). VCF-style: chr1-158634682-C-A. GRCh37 (hg19) VCF-style: chr1-158604472-C-A.
Identifiers: ClinVar variation 4992889 (VCV004992889.1).
Genomic context (GRCh38, chr1:158,634,682, plus strand): 5'-TCAGCATTCTGCATGAATTGCAAGTATTCTAGGGATTCTTCCAACTTAAGTCCTCTATAA[C>A]AAGGTGGCAAGCCCCAGTGAGGATAAGAACAAACTGGTAAGCAGTGGGAGTACAGTGGGG-3'